The following is an entry in ClinVar:

ClinVar aggregate classification (germline): Likely benign (0 of 4 stars; one submission).

Conditions:
TWIST1-related disorder.

Submission:

PreventionGenetics, part of Exact Sciences
Classification: Likely benign for TWIST1-related condition. Last evaluated: 2021-12-28. Review status: no assertion criteria provided. Collection method: clinical testing. Allele origin: germline.
Comment: This variant is classified as likely benign based on ACMG/AMP sequence variant interpretation guidelines (Richards et al. 2015 PMID: 25741868, with internal and published modifications).

NM_000474.4(TWIST1):c.201C>A (p.Gly67=)

Gene: TWIST1 (twist family bHLH transcription factor 1; minus strand). Cytogenetic location: 7p21.1.
Variant type: single nucleotide variant.
Coding change: c.201C>A on transcript NM_000474.4 (MANE Select); coding-DNA position 201, C replaced by A.
Protein change: p.Gly67=; no amino-acid change (glycine 67 retained).
Molecular consequence: synonymous variant. On other transcripts: non-coding transcript variant (1).
Genome position (GRCh38, 1-based): chr7:19,117,121, G>T on the plus strand (C>A on the coding strand, the complement: TWIST1 is on the minus strand). VCF-style: chr7-19117121-G-T. GRCh37 (hg19) VCF-style: chr7-19156744-G-T.
Identifiers: ClinVar variation 3046899 (VCV003046899.2), dbSNP rs1788589633, ClinGen allele CA454143947.